The following is an entry in ClinVar:

NM_005876.5(SPEG):c.8839C>T (p.Arg2947Ter)

Genes: ASIC4-AS1 (ASIC4 antisense RNA 1; minus strand), SPEG (striated muscle enriched protein kinase; plus strand). Cytogenetic location: 2q35.
Variant type: single nucleotide variant.
Coding change: c.8839C>T on transcript NM_005876.5 (MANE Select); coding-DNA position 8839, C replaced by T.
Protein change: p.Arg2947Ter; replaces arginine 2947 with a stop codon.
Molecular consequence: nonsense.
Genome position (GRCh38, 1-based): chr2:219,489,857, C>T. VCF-style: chr2-219489857-C-T. GRCh37 (hg19) VCF-style: chr2-220354579-C-T.
Other names: short protein forms R2947*.
Identifiers: ClinVar variation 1451459 (VCV001451459.7), dbSNP rs768300296, ClinGen allele CA350713048.
Genomic context (GRCh38, chr2:219,489,857, plus strand): 5'-GTGACTGTGCAGAGCCTCAGCCCGGCCAAGGAGGTGGTCAGCTCCCCTGGGAGCAGTCCC[C>T]GAAGCTCTCCCAGGCCTGAGGGTACCACTCTTCGACAGGGTCCCCCTCAGAAACCCTACA-3'

ClinVar aggregate classification (germline): Pathogenic. Review status: criteria provided, multiple submitters, no conflicts (2 of 4 stars). 2 submissions from 2 submitters: Pathogenic (2). Last evaluated 2024-07-18.

Conditions:
Myopathy, centronuclear, 5 (CNM5). Identifiers: Orphanet 169186, MedGen C4014814, MONDO:0014418, OMIM 615959.

gnomAD v4.1: 1 of 1,612,168 alleles (0.000062%); highest among the groups gnomAD compares: Non-Finnish European, 0.000085%; no homozygotes.

Submissions (2):

Labcorp Genetics (formerly Invitae), Labcorp
Classification: Pathogenic. Last evaluated: 2024-07-18. Review status: criteria provided, single submitter. Criteria: Invitae Variant Classification Sherloc (09022015). Collection method: clinical testing. Allele origin: germline.
Comment: This sequence change creates a premature translational stop signal (p.Arg2947*) in the SPEG gene. It is expected to result in an absent or disrupted protein product. Loss-of-function variants in SPEG are known to be pathogenic (PMID: 19118250, 25087613). This variant is not present in population databases (gnomAD no frequency). This variant has not been reported in the literature in individuals affected with SPEG-related conditions. ClinVar contains an entry for this variant (Variation ID: 1451459). Algorithms developed to predict the effect of sequence changes on RNA splicing suggest that this variant may disrupt the consensus splice site. For these reasons, this variant has been classified as Pathogenic.

Genomic Medicine Center of Excellence, King Faisal Specialist Hospital and Research Centre
Classification: Pathogenic for Myopathy, centronuclear, 5. Last evaluated: 2024-03-29. Review status: criteria provided, single submitter. Criteria: ACMG Guidelines, 2015. Collection method: clinical testing. Allele origin: germline.

Literature cited by the submitters: PubMed 19118250 (cited by Labcorp Genetics (formerly Invitae), Labcorp); PubMed 25087613 (cited by Labcorp Genetics (formerly Invitae), Labcorp).